The following is an entry in ClinVar:

NM_002519.3(NPAT):c.3400G>A (p.Ala1134Thr)

Gene: NPAT (nuclear protein, coactivator of histone transcription; minus strand). Cytogenetic location: 11q22.3.
Variant type: single nucleotide variant.
Coding change: c.3400G>A on transcript NM_002519.3 (MANE Select); coding-DNA position 3400, G replaced by A.
Protein change: p.Ala1134Thr; replaces alanine 1134 with threonine.
Molecular consequence: missense variant.
Genome position (GRCh38, 1-based): chr11:108,161,686, C>T on the plus strand (G>A on the coding strand, the complement: NPAT is on the minus strand). VCF-style: chr11-108161686-C-T. GRCh37 (hg19) VCF-style: chr11-108032413-C-T.
Other names: c.3421G>A, p.Ala1141Thr (NM_001321307.1); short protein forms A1134T, A1141T.
Identifiers: ClinVar variation 1731069 (VCV001731069.2), dbSNP rs980012888, ClinGen allele CA382510893.

ClinVar aggregate classification (germline): Uncertain significance (1 of 4 stars; one submission).

Submission:

Ambry Genetics
Classification: Uncertain significance. Last evaluated: 2022-01-28. Review status: criteria provided, single submitter. Criteria: Ambry Variant Classification Scheme 2023. Collection method: clinical testing. Allele origin: germline.
Comment: The p.A1134T variant (also known as c.3400G>A), located in coding exon 17 of the NPAT gene, results from a G to A substitution at nucleotide position 3400. The alanine at codon 1134 is replaced by threonine, an amino acid with similar properties. This amino acid position is conserved. In addition, this alteration is predicted to be tolerated by in silico analysis. Since supporting evidence is limited at this time, the clinical significance of this alteration remains unclear.